The following is an entry in ClinVar:

NM_000132.4(F8):c.941C>A (p.Thr314Asn)

Gene: F8 (coagulation factor VIII; minus strand). Cytogenetic location: Xq28.
Variant type: single nucleotide variant.
Coding change: c.941C>A on transcript NM_000132.4 (MANE Select); coding-DNA position 941, C replaced by A.
Protein change: p.Thr314Asn; replaces threonine 314 with asparagine.
Molecular consequence: missense variant.
Genome position (GRCh38, 1-based): chrX:154,969,399, G>T on the plus strand (C>A on the coding strand, the complement: F8 is on the minus strand). VCF-style: chrX-154969399-G-T. GRCh37 (hg19) VCF-style: chrX-154197674-G-T.
Other names: short protein forms T314N.
Identifiers: ClinVar variation 3336086 (VCV003336086.1).

ClinVar aggregate classification (germline): Uncertain significance (1 of 4 stars; one submission).

Submission:

Women's Health and Genetics/Laboratory Corporation of America, LabCorp
Classification: Uncertain significance. Last evaluated: 2024-05-08. Review status: criteria provided, single submitter. Criteria: LabCorp Variant Classification Summary - May 2015. Collection method: clinical testing. Allele origin: germline.
Comment: Variant summary: F8 c.941C>A (p.Thr314Asn) results in a non-conservative amino acid change in the encoded protein sequence. Five of five in-silico tools predict a damaging effect of the variant on protein function. The variant was absent in 183340 control chromosomes. c.941C>A has been reported in the literature in an individual affected with mild Factor VIII Deficiency (Hemophilia A) (Miller_2012). These data do not allow any conclusion about variant significance. A different variant affecting the same codon has been classified as pathogenic by our lab (c.940A>G, p.Thr314Ala), supporting the critical relevance of codon 314 to F8 protein function. To our knowledge, no experimental evidence demonstrating an impact on protein function has been reported. The following publication have been ascertained in the context of this evaluation (PMID: 22103590).No submitters have cited clinical-significance assessments for this variant to ClinVar. Based on the evidence outlined above, the variant was classified as VUS-possibly pathogenic.

Literature cited by the submitters: PubMed 22103590.